The following is an entry in ClinVar:

NM_001282874.2(SMARCA1):c.2302C>T (p.Arg768Cys)

Gene: SMARCA1 (SNF2 related chromatin remodeling ATPase 1; minus strand). Cytogenetic location: Xq25.
Variant type: single nucleotide variant.
Coding change: c.2302C>T on transcript NM_001282874.2 (MANE Select); coding-DNA position 2302, C replaced by T.
Protein change: p.Arg768Cys; replaces arginine 768 with cysteine.
Molecular consequence: missense variant.
Genome position (GRCh38, 1-based): chrX:129,481,101, G>A on the plus strand (C>T on the coding strand, the complement: SMARCA1 is on the minus strand). VCF-style: chrX-129481101-G-A. GRCh37 (hg19) VCF-style: chrX-128615078-G-A.
Other names: c.2266C>T, p.Arg756Cys (NM_001282875.2, NM_001378262.1, NM_001378263.1 and 1 more transcripts); c.2302C>T, p.Arg768Cys (NM_001378261.1, NM_003069.5); short protein forms R756C, R768C.
Identifiers: ClinVar variation 3899540 (VCV003899540.1).

ClinVar aggregate classification (germline): Uncertain significance (1 of 4 stars; one submission).

gnomAD v4.1: 36 of 1,200,601 alleles (0.003%); highest among the groups gnomAD compares: Middle Eastern, 0.023%; no homozygotes.

Submission:

GeneDx
Classification: Uncertain significance. Last evaluated: 2024-06-08. Review status: criteria provided, single submitter. Criteria: GeneDx Variant Classification Process June 2021. Collection method: clinical testing. Allele origin: germline. Affected: yes.
Comment: In silico analysis supports that this missense variant has a deleterious effect on protein structure/function; Has not been previously published as pathogenic or benign to our knowledge; Variants in candidate genes are classified as variants of uncertain significance in accordance with ACMG guidelines (PMID: 25741868)